The following is an entry in ClinVar:

NM_000127.3(EXT1):c.176del (p.Pro59fs)

Gene: EXT1 (exostosin glycosyltransferase 1; minus strand). Cytogenetic location: 8q24.11.
Variant type: Deletion.
Coding change: c.176del on transcript NM_000127.3 (MANE Select); coding-DNA position 176, one base deleted (C; older notation c.176delC).
Protein change: p.Pro59fs; shifts the reading frame from proline 59.
Molecular consequence: frameshift variant.
Genome position (GRCh38, 1-based): chr8:118,110,871, G deleted on the plus strand (C on the coding strand, the reverse complement: EXT1 is on the minus strand); the first of 3 consecutive G bases (chr8:118,110,871-118,110,873); deleting any one gives the same sequence. VCF-style (leftmost placement, unchanged base first): chr8-118110870-CG-C. GRCh37 (hg19) VCF-style: chr8-119123109-CG-C.
Other names: short protein forms P59fs.
Identifiers: ClinVar variation 853599 (VCV000853599.10), dbSNP rs1817889027, ClinGen allele CA916081531.
Genomic context (GRCh38, chr8:118,110,870, plus strand): 5'-GTGCACGCTGGAATCCTCGTTTTCCAATTGATCCCAAGGAACGAAGGGGCGCAGAGCGTC[CG>C]GGAAGCGGGGCCAGAAATGATCCGGACTGGGGTGGTGCAAGCCATTCCTACCGCTGTGTT-3'

ClinVar aggregate classification (germline): Pathogenic. Review status: criteria provided, multiple submitters, no conflicts (2 of 4 stars). 2 submissions from 2 submitters: Pathogenic (2). Last evaluated 2026-01-21.

Conditions:
Multiple congenital exostosis (EXT). Also called: Hereditary multiple osteochondromas; Multiple osteochondromas; Multiple exostoses; Hereditary multiple exostoses; Hereditary multiple exostosis; MULTIPLE CARTILAGINOUS EXOSTOSES. Identifiers: Orphanet 321, MedGen C0015306, MONDO:0005508, HP:0002762.

Submissions (2):

GeneDx
Classification: Pathogenic. Last evaluated: 2026-01-21. Review status: criteria provided, single submitter. Criteria: GeneDx Variant Classification Process June 2021. Collection method: clinical testing. Allele origin: germline.
Comment: Frameshift variant predicted to result in protein truncation or nonsense mediated decay in a gene for which loss of function is a known mechanism of disease; Not observed at significant frequency in large population cohorts (gnomAD); This variant is associated with the following publications: (PMID: 9326317)

Labcorp Genetics (formerly Invitae), Labcorp
Classification: Pathogenic for Multiple congenital exostosis. Last evaluated: 2019-04-08. Review status: criteria provided, single submitter. Criteria: Invitae Variant Classification Sherloc (09022015). Collection method: clinical testing. Allele origin: germline.
Comment: This sequence change creates a premature translational stop signal (p.Pro59Argfs*77) in the EXT1 gene. It is expected to result in an absent or disrupted protein product. This variant is not present in population databases (ExAC no frequency). This variant has been observed to be de novo in an individual affected with hereditary multiple exostoses (PMID: 9326317). Loss-of-function variants in EXT1 are known to be pathogenic (PMID: 10679937, 11391482, 19810120). For these reasons, this variant has been classified as Pathogenic.

Literature cited by the submitters: PubMed 9326317 (cited by Labcorp Genetics (formerly Invitae), Labcorp); PubMed 10679937 (cited by Labcorp Genetics (formerly Invitae), Labcorp); PubMed 11391482 (cited by Labcorp Genetics (formerly Invitae), Labcorp); PubMed 19810120 (cited by Labcorp Genetics (formerly Invitae), Labcorp).